The following is an entry in ClinVar:

ClinVar aggregate classification (germline): Uncertain significance (1 of 4 stars; one submission).

Conditions:
Hereditary cancer-predisposing syndrome. Also called: Neoplastic Syndromes, Hereditary; Hereditary neoplastic syndrome; Tumor predisposition; Hereditary Cancer Syndrome. Identifiers: Orphanet 140162, MedGen C0027672, MeSH D009386, MONDO:0015356.

Submission:

Labcorp Genetics (formerly Invitae), Labcorp
Classification: Uncertain significance for Hereditary cancer-predisposing syndrome. Last evaluated: 2024-05-07. Review status: criteria provided, single submitter. Criteria: Invitae Variant Classification Sherloc (09022015). Collection method: clinical testing. Allele origin: germline.
Comment: This sequence change replaces arginine, which is basic and polar, with glycine, which is neutral and non-polar, at codon 1025 of the RAD50 protein (p.Arg1025Gly). This variant is not present in population databases (gnomAD no frequency). This variant has not been reported in the literature in individuals affected with RAD50-related conditions. Advanced modeling of protein sequence and biophysical properties (such as structural, functional, and spatial information, amino acid conservation, physicochemical variation, residue mobility, and thermodynamic stability) performed at Invitae indicates that this missense variant is expected to disrupt RAD50 protein function with a positive predictive value of 80%. In summary, the available evidence is currently insufficient to determine the role of this variant in disease. Therefore, it has been classified as a Variant of Uncertain Significance.

NM_005732.4(RAD50):c.3073A>G (p.Arg1025Gly)

Gene: RAD50 (RAD50 double strand break repair protein; plus strand). Cytogenetic location: 5q31.1.
Variant type: single nucleotide variant.
Coding change: c.3073A>G on transcript NM_005732.4 (MANE Select); coding-DNA position 3073, A replaced by G.
Protein change: p.Arg1025Gly; replaces arginine 1025 with glycine.
Molecular consequence: missense variant.
Genome position (GRCh38, 1-based): chr5:132,616,039, A>G. VCF-style: chr5-132616039-A-G. GRCh37 (hg19) VCF-style: chr5-131951731-A-G.
Other names: short protein forms R1025G.
Identifiers: ClinVar variation 2825966 (VCV002825966.3), dbSNP rs2479384322, ClinGen allele CA360963515.